The following is an entry in ClinVar:

ClinVar aggregate classification (germline): Uncertain significance (1 of 4 stars; one submission).

Conditions:
Primary ciliary dyskinesia 28. Also called: CILIARY DYSKINESIA, PRIMARY, 28, WITH OR WITHOUT SITUS INVERSUS. Identifiers: Orphanet 244, MedGen C3809706, MONDO:0014216, OMIM 615505.

Allele frequency attached by ClinVar (database versions not stated): gnomAD exomes below 0.00001.
gnomAD v4.1: 1 of 1,521,896 alleles (0.000066%); highest among the groups gnomAD compares: Non-Finnish European, 0.000091%; no homozygotes.

Submission:

Labcorp Genetics (formerly Invitae), Labcorp
Classification: Uncertain significance for Primary ciliary dyskinesia 28. Last evaluated: 2025-04-09. Review status: criteria provided, single submitter. Criteria: Invitae Variant Classification Sherloc (09022015). Collection method: clinical testing. Allele origin: germline.
Comment: This sequence change falls in intron 11 of the SPAG1 gene. It does not directly change the encoded amino acid sequence of the SPAG1 protein. This variant is not present in population databases (gnomAD no frequency). This variant has not been reported in the literature in individuals affected with SPAG1-related conditions. ClinVar contains an entry for this variant (Variation ID: 1943389). Algorithms developed to predict the effect of sequence changes on RNA splicing suggest that this variant may disrupt the consensus splice site. In summary, the available evidence is currently insufficient to determine the role of this variant in disease. Therefore, it has been classified as a Variant of Uncertain Significance.

NM_003114.5(SPAG1):c.1436-5T>G

Gene: SPAG1 (sperm associated antigen 1; plus strand). Cytogenetic location: 8q22.2.
Variant type: single nucleotide variant.
Coding change: c.1436-5T>G on transcript NM_003114.5 (MANE Select); 5 bases into the intron before coding-DNA position 1436, T replaced by G.
Molecular consequence: intron variant.
Genome position (GRCh38, 1-based): chr8:100,213,814, T>G. VCF-style: chr8-100213814-T-G. GRCh37 (hg19) VCF-style: chr8-101226042-T-G.
Other names: c.1436-5T>G (NM_001374321.1, NM_172218.3).
Identifiers: ClinVar variation 1943389 (VCV001943389.5), dbSNP rs2489452271, ClinGen allele CA2579217929.